The following is an entry in ClinVar:

ClinVar aggregate classification (germline): Uncertain significance. Review status: criteria provided, multiple submitters, no conflicts (2 of 4 stars). 2 submissions from 2 submitters: Uncertain significance (2). Last evaluated 2026-01-21.

Conditions:
Inborn genetic diseases. Identifiers: MedGen C0950123, MeSH D030342.

Allele frequency attached by ClinVar (database versions not stated): ExAC 0.00001; gnomAD 0.00001; gnomAD exomes 0.00002; TOPMed 0.00002.
gnomAD v4.1: 34 of 1,572,034 alleles (0.0022%); highest among the groups gnomAD compares: Middle Eastern, 0.051%; no homozygotes.

Submissions (2):

Labcorp Genetics (formerly Invitae), Labcorp
Classification: Uncertain significance. Last evaluated: 2026-01-21. Review status: criteria provided, single submitter. Criteria: Invitae Variant Classification Sherloc (09022015). Collection method: clinical testing. Allele origin: germline.
Comment: This sequence change replaces threonine, which is neutral and polar, with methionine, which is neutral and non-polar, at codon 305 of the ALPK1 protein (p.Thr305Met). This variant is present in population databases (rs766255537, gnomAD 0.0009%). This variant has not been reported in the literature in individuals affected with ALPK1-related conditions. ClinVar contains an entry for this variant (Variation ID: 2165500). Invitae Evidence Modeling of protein sequence and biophysical properties (such as structural, functional, and spatial information, amino acid conservation, physicochemical variation, residue mobility, and thermodynamic stability) indicates that this missense variant is not expected to disrupt ALPK1 protein function with a negative predictive value of 80%. In summary, the available evidence is currently insufficient to determine the role of this variant in disease. Therefore, it has been classified as a Variant of Uncertain Significance.

Ambry Genetics
Classification: Uncertain significance for Inborn genetic diseases. Last evaluated: 2024-08-12. Review status: criteria provided, single submitter. Criteria: Ambry Variant Classification Scheme 2023. Collection method: clinical testing. Allele origin: germline.

NM_025144.4(ALPK1):c.914C>T (p.Thr305Met)

Gene: ALPK1 (alpha kinase 1; plus strand). Cytogenetic location: 4q25.
Variant type: single nucleotide variant.
Coding change: c.914C>T on transcript NM_025144.4 (MANE Select); coding-DNA position 914, C replaced by T.
Protein change: p.Thr305Met; replaces threonine 305 with methionine.
Molecular consequence: missense variant.
Genome position (GRCh38, 1-based): chr4:112,430,461, C>T. VCF-style: chr4-112430461-C-T. GRCh37 (hg19) VCF-style: chr4-113351617-C-T.
Other names: c.914C>T, p.Thr305Met (NM_001102406.2); c.680C>T, p.Thr227Met (NM_001253884.2); c.914C>T (NM_025144.3); short protein forms T227M, T305M.
Identifiers: ClinVar variation 2165500 (VCV002165500.5), dbSNP rs766255537, ClinGen allele CA3046625.